The following is an entry in ClinVar:

ClinVar aggregate classification (germline): Benign/Likely benign. Review status: criteria provided, multiple submitters, no conflicts (2 of 4 stars). 6 submissions from 6 submitters: Benign (5); Likely benign (1). Last evaluated 2026-02-01.

Conditions:
Hypertrophic cardiomyopathy. Also called: HYPERTROPHIC MYOCARDIOPATHY. Identifiers: Orphanet 217569, MedGen C0007194, MeSH D002312, MONDO:0005045, HP:0001639.
Primary dilated cardiomyopathy (DCM). Also called: Dilated Cardiomyopathy. Identifiers: Orphanet 217604, MedGen C0007193, MeSH D002311, MONDO:0005021, HP:0001644. Inheritance: Various modes of inheritance.

Allele frequency attached by ClinVar (database versions not stated): 1000 Genomes Project 30x 0.00828; gnomAD 0.00724 and 0.00785; ESP Exome Variant Server 0.00861; gnomAD exomes 0.00208; ExAC 0.00250; TOPMed 0.00871; 1000 Genomes Project 0.00839.
gnomAD v4.1: 2,433 of 1,614,116 alleles (0.15%); highest among the groups gnomAD compares: African/African-American, 2.5%; 20 homozygotes.

Submissions (6):

Labcorp Genetics (formerly Invitae), Labcorp
Classification: Benign for Hypertrophic cardiomyopathy; Primary dilated cardiomyopathy. Last evaluated: 2026-02-01. Review status: criteria provided, single submitter. Criteria: Invitae Variant Classification Sherloc (09022015). Collection method: clinical testing. Allele origin: germline.

Women's Health and Genetics/Laboratory Corporation of America, LabCorp
Classification: Benign. Last evaluated: 2023-04-17. Review status: criteria provided, single submitter. Criteria: LabCorp Variant Classification Summary - May 2015. Collection method: clinical testing. Allele origin: germline.

Ambry Genetics
Classification: Likely benign. Last evaluated: 2022-05-17. Review status: criteria provided, single submitter. Criteria: Ambry Variant Classification Scheme 2023. Collection method: clinical testing. Allele origin: germline.

Laboratory for Molecular Medicine, Mass General Brigham Personalized Medicine
Classification: Benign. Last evaluated: 2014-11-24. Review status: criteria provided, single submitter. Criteria: LMM Criteria. Collection method: clinical testing. Allele origin: germline. Observed: 4 variant alleles.
Comment: Gly283Gly in exon 7 of PDLIM3: This variant is not expected to have clinical sig nificance because it does not alter an amino acid residue and is not located wit hin the splice consensus sequence. It has been identified in 2.5% (111/4406) of African American chromosomes from a broad population by the NHLBI Exome Sequenci ng Project (dbSNP rs61734675).

GeneDx
Classification: Benign. Last evaluated: 2014-04-30. Review status: criteria provided, single submitter. Criteria: GeneDx Variant Classification (06012015). Collection method: clinical testing. Allele origin: germline. Affected: yes.
Comment: This variant is considered likely benign or benign based on one or more of the following criteria: it is a conservative change, it occurs at a poorly conserved position in the protein, it is predicted to be benign by multiple in silico algorithms, and/or has population frequency not consistent with disease.

Breakthrough Genomics
Classification: Benign. Review status: criteria provided, single submitter. Criteria: ACMG Guidelines, 2015. Collection method: not provided. Allele origin: germline. Inheritance: Unknown mechanism. Affected: yes.

NM_014476.6(PDLIM3):c.849C>T (p.Gly283=)

Gene: PDLIM3 (PDZ and LIM domain 3; minus strand). Cytogenetic location: 4q35.1.
Variant type: single nucleotide variant.
Coding change: c.849C>T on transcript NM_014476.6 (MANE Select); coding-DNA position 849, C replaced by T.
Protein change: p.Gly283=; no amino-acid change (glycine 283 retained).
Molecular consequence: synonymous variant. On other transcripts: non-coding transcript variant (1).
Genome position (GRCh38, 1-based): chr4:185,504,531, G>A on the plus strand (C>T on the coding strand, the complement: PDLIM3 is on the minus strand). VCF-style: chr4-185504531-G-A. GRCh37 (hg19) VCF-style: chr4-186425685-G-A.
Other names: p.G283G:GGC>GGT; c.705C>T, p.Gly235= (NM_001114107.5); c.585C>T, p.Gly195= (NM_001257962.2); c.348C>T, p.Gly116= (NM_001257963.2).
Identifiers: ClinVar variation 138673 (VCV000138673.18), dbSNP rs61734675, ClinGen allele CA292758.